The following is an entry in ClinVar:

ClinVar aggregate classification (germline): Uncertain significance (1 of 4 stars; one submission).

Submission:

Labcorp Genetics (formerly Invitae), Labcorp
Classification: Uncertain significance. Last evaluated: 2022-08-16. Review status: criteria provided, single submitter. Criteria: Invitae Variant Classification Sherloc (09022015). Collection method: clinical testing. Allele origin: germline.
Comment: This sequence change replaces arginine, which is basic and polar, with glutamine, which is neutral and polar, at codon 363 of the KCNH1 protein (p.Arg363Gln). This variant is not present in population databases (gnomAD no frequency). This variant has not been reported in the literature in individuals affected with KCNH1-related conditions. ClinVar contains an entry for this variant (Variation ID: 1362356). Advanced modeling of protein sequence and biophysical properties (such as structural, functional, and spatial information, amino acid conservation, physicochemical variation, residue mobility, and thermodynamic stability) performed at Invitae indicates that this missense variant is expected to disrupt KCNH1 protein function. In summary, the available evidence is currently insufficient to determine the role of this variant in disease. Therefore, it has been classified as a Variant of Uncertain Significance.

NM_172362.3(KCNH1):c.1088G>A (p.Arg363Gln)

Gene: KCNH1 (potassium voltage-gated channel subfamily H member 1; minus strand). Cytogenetic location: 1q32.2.
Variant type: single nucleotide variant.
Coding change: c.1088G>A on transcript NM_172362.3 (MANE Select); coding-DNA position 1088, G replaced by A.
Protein change: p.Arg363Gln; replaces arginine 363 with glutamine.
Molecular consequence: missense variant.
Genome position (GRCh38, 1-based): chr1:210,920,014, C>T on the plus strand (G>A on the coding strand, the complement: KCNH1 is on the minus strand). VCF-style: chr1-210920014-C-T. GRCh37 (hg19) VCF-style: chr1-211093356-C-T.
Other names: c.1007G>A, p.Arg336Gln (NM_002238.4); short protein forms R336Q, R363Q.
Identifiers: ClinVar variation 1362356 (VCV001362356.8), dbSNP rs2102561800, ClinGen allele CA344874113.